The following is an entry in ClinVar:

NM_000463.3(UGT1A1):c.1198A>C (p.Asn400His)

Genes: UGT1A6 (UDP glucuronosyltransferase family 1 member A6; plus strand), UGT1A8 (UDP glucuronosyltransferase family 1 member A8; plus strand), UGT1A1 (UDP glucuronosyltransferase family 1 member A1; plus strand), UGT1A10 (UDP glucuronosyltransferase family 1 member A10; plus strand), UGT1A3 (UDP glucuronosyltransferase family 1 member A3; plus strand) and 5 more. Cytogenetic location: 2q37.1.
Variant type: single nucleotide variant.
Coding change: c.1198A>C on transcript NM_000463.3 (MANE Select); coding-DNA position 1198, A replaced by C.
Protein change: p.Asn400His; replaces asparagine 400 with histidine.
Molecular consequence: missense variant.
Genome position (GRCh38, 1-based): chr2:233,768,333, A>C. VCF-style: chr2-233768333-A-C. GRCh37 (hg19) VCF-style: chr2-234676979-A-C.
Other names: c.1201A>C, p.Asn401His (NM_019078.2, NM_007120.3, NM_019093.4); c.1189A>C, p.Asn397His (NM_021027.3, NM_019075.4, NM_019076.5 and 1 more transcripts); c.1195A>C, p.Asn399His (NM_001072.4); c.394A>C, p.Asn132His (NM_205862.3); short protein forms N400H, N399H, N132H, N397H, N401H.
Identifiers: ClinVar variation 594091 (VCV000594091.8), dbSNP rs28934877, ClinGen allele CA67596366.
Genomic context (GRCh38, chr2:233,768,333, plus strand): 5'-GAAAGCATATGCAATGGCGTTCCCATGGTGATGATGCCCTTGTTTGGTGATCAGATGGAC[A>C]ATGCAAAGCGCATGGAGACTAAGGGAGCTGGAGTGACCCTGAATGTTCTGGAAATGACTT-3'
Protein context (NP_000454.1, residues 390-410): MMPLFGDQMD[Asn400His]AKRMETKGAG

ClinVar aggregate classification (germline): Conflicting classifications of pathogenicity. Review status: criteria provided, conflicting classifications (1 of 4 stars). 3 submissions from 3 submitters: Likely pathogenic (1); Uncertain significance (2). Last evaluated 2017-09-15.

Conditions:
Crigler-Najjar syndrome type 1. Also called: HYPERBILIRUBINEMIA, CRIGLER-NAJJAR TYPE I. Identifiers: Orphanet 79234, MedGen C0010324, MONDO:0021020, OMIM 218800.
BILIRUBIN, SERUM LEVEL OF, QUANTITATIVE TRAIT LOCUS 1 (BILIQTL1). Identifiers: MedGen C1866173, OMIM 601816.
Lucey-Driscoll syndrome (HBLRTFN). Also called: Transient familial neonatal hyperbilirubinemia. Identifiers: Orphanet 2312, MedGen C0270210, MONDO:0009383, OMIM 237900.
Crigler-Najjar syndrome, type II. Also called: HYPERBILIRUBINEMIA, CRIGLER-NAJJAR TYPE II; Crigler Najjar syndrome, type 2; Mutation in the UDP-glucuronosyl-transferase gene. Identifiers: Orphanet 205, Orphanet 79235, MedGen C2931132, MONDO:0011725, OMIM 606785.
Gilbert syndrome. Also called: HYPERBILIRUBINEMIA I; HYPERBILIRUBINEMIA, ARIAS TYPE; HYPERBILIRUBINEMIA, GILBERT TYPE; Gilbert's syndrome; Gilbert Disease. Identifiers: MedGen C0017551, MONDO:0007745, OMIM 143500.

Allele frequency attached by ClinVar (database versions not stated): TOPMed 0.00001.
gnomAD v4.1: 6 of 1,614,220 alleles (0.00037%); highest among the groups gnomAD compares: East Asian, 0.011%; 1 homozygote.

Submissions (3):

Eurofins Ntd Llc (ga)
Classification: Uncertain significance. Last evaluated: 2017-09-15. Review status: criteria provided, single submitter. Criteria: EGL Classification Definitions 2015. Collection method: clinical testing. Allele origin: germline. Observed: 1 variant allele, 1 homozygote.

Juno Genomics, Hangzhou Juno Genomics, Inc
Classification: Uncertain significance for BILIRUBIN, SERUM LEVEL OF, QUANTITATIVE TRAIT LOCUS 1; Gilbert syndrome; Crigler-Najjar syndrome type 1; Crigler-Najjar syndrome, type II; Lucey-Driscoll syndrome. Review status: criteria provided, single submitter. Criteria: ACMG Guidelines, 2015. Collection method: clinical testing. Allele origin: germline. Affected: yes.
Comment: Absent from controls (or at extremely low frequency if recessive) in Genome Aggregation Database, Exome Sequencing Project, 1000 Genomes Project, or Exome Aggregation Consortium.;Multiple lines of computational evidence support a deleterious effect on the gene or gene product (conservation, evolutionary, splicing impact, etc).;For recessive disorders, detected in trans with a pathogenic variant.;Patient's phenotype or family history is highly specific for a disease with a single genetic etiology.

Kariminejad - Najmabadi Pathology & Genetics Center
Classification: Likely pathogenic for Crigler-Najjar syndrome type 1. Review status: criteria provided, single submitter. Criteria: ACMG Guidelines, 2015. Collection method: clinical testing. Allele origin: germline. Affected: no.